The following is an entry in ClinVar:

NM_139318.5(KCNH5):c.2725A>C (p.Thr909Pro)

Gene: KCNH5 (potassium voltage-gated channel subfamily H member 5; minus strand). Cytogenetic location: 14q23.2.
Variant type: single nucleotide variant.
Coding change: c.2725A>C on transcript NM_139318.5 (MANE Select); coding-DNA position 2725, A replaced by C.
Protein change: p.Thr909Pro; replaces threonine 909 with proline.
Molecular consequence: missense variant. On other transcripts: 3 prime UTR variant (1).
Genome position (GRCh38, 1-based): chr14:62,707,750, T>G on the plus strand (A>C on the coding strand, the complement: KCNH5 is on the minus strand). VCF-style: chr14-62707750-T-G. GRCh37 (hg19) VCF-style: chr14-63174468-T-G.
Other names: c.*692A>C (NM_172375.3); short protein forms T909P.
Identifiers: ClinVar variation 1394571 (VCV001394571.7), dbSNP rs1884466924, ClinGen allele CA390099972.

ClinVar aggregate classification (germline): Uncertain significance (1 of 4 stars; one submission).

Conditions:
Early-infantile DEE. Also called: Early infantile epileptic encephalopathy with suppression bursts; Early infantile epileptic encephalopathy; Ohtahara syndrome. Identifiers: Orphanet 1934, MedGen C0393706, MONDO:0800491.

Allele frequency attached by ClinVar (database versions not stated): gnomAD exomes below 0.00001; TOPMed below 0.00001.
gnomAD v4.1: 1 of 1,613,880 alleles (0.000062%); highest among the groups gnomAD compares: African/African-American, 0.0013%; no homozygotes.

Submission:

Labcorp Genetics (formerly Invitae), Labcorp
Classification: Uncertain significance for Early-infantile DEE. Last evaluated: 2021-11-22. Review status: criteria provided, single submitter. Criteria: Invitae Variant Classification Sherloc (09022015). Collection method: clinical testing. Allele origin: germline.
Comment: This sequence change replaces threonine, which is neutral and polar, with proline, which is neutral and non-polar, at codon 909 of the KCNH5 protein (p.Thr909Pro). This variant is not present in population databases (gnomAD no frequency). This variant has not been reported in the literature in individuals affected with KCNH5-related conditions. Advanced modeling of protein sequence and biophysical properties (such as structural, functional, and spatial information, amino acid conservation, physicochemical variation, residue mobility, and thermodynamic stability) performed at Invitae indicates that this missense variant is not expected to disrupt KCNH5 protein function. In summary, the available evidence is currently insufficient to determine the role of this variant in disease. Therefore, it has been classified as a Variant of Uncertain Significance.